The following is an entry in ClinVar:

NM_014795.4(ZEB2):c.384C>T (p.Thr128=)

Gene: ZEB2 (zinc finger E-box binding homeobox 2; minus strand). Cytogenetic location: 2q22.3.
Variant type: single nucleotide variant.
Coding change: c.384C>T on transcript NM_014795.4 (MANE Select); coding-DNA position 384, C replaced by T.
Protein change: p.Thr128=; no amino-acid change (threonine 128 retained).
Molecular consequence: synonymous variant. On other transcripts: intron variant (1).
Genome position (GRCh38, 1-based): chr2:144,424,815, G>A on the plus strand (C>T on the coding strand, the complement: ZEB2 is on the minus strand). VCF-style: chr2-144424815-G-A. GRCh37 (hg19) VCF-style: chr2-145182382-G-A.
Other names: c.331+4954C>T (NM_001171653.2).
Identifiers: ClinVar variation 514330 (VCV000514330.16), dbSNP rs573552493, ClinGen allele CA1898539.

ClinVar aggregate classification (germline): Likely benign. Review status: criteria provided, multiple submitters, no conflicts (2 of 4 stars). 3 submissions from 3 submitters: Likely benign (3). Last evaluated 2026-01-01.

Conditions:
Mowat-Wilson syndrome (MOWS). Also called: Classic Mowat-Wilson Syndrome. Identifiers: Orphanet 2152, MedGen C1856113, MONDO:0009341, OMIM 235730.

Allele frequency attached by ClinVar (database versions not stated): gnomAD exomes 0.00001 and 0.00003; ExAC 0.00002; TOPMed 0.00003; gnomAD 0.00004 and 0.00006; 1000 Genomes Project 30x 0.00016; 1000 Genomes Project 0.00020.
gnomAD v4.1: 21 of 1,613,986 alleles (0.0013%); highest among the groups gnomAD compares: African/African-American, 0.011%; no homozygotes.

Submissions (3):

CeGaT Center for Human Genetics Tuebingen
Classification: Likely benign. Last evaluated: 2026-01-01. Review status: criteria provided, single submitter. Criteria: CeGaT Center For Human Genetics Tuebingen Variant Classification Criteria Version 2. Collection method: clinical testing. Allele origin: germline. Affected: yes. Observed: 1 variant allele.
Comment: ZEB2: BP4, BP7

Labcorp Genetics (formerly Invitae), Labcorp
Classification: Likely benign for Mowat-Wilson syndrome. Last evaluated: 2024-10-24. Review status: criteria provided, single submitter. Criteria: Invitae Variant Classification Sherloc (09022015). Collection method: clinical testing. Allele origin: germline.

GeneDx
Classification: Likely benign. Last evaluated: 2019-06-17. Review status: criteria provided, single submitter. Criteria: GeneDx Variant Classification Process June 2021. Collection method: clinical testing. Allele origin: germline. Affected: yes.